The following is an entry in ClinVar:

ClinVar aggregate classification (germline): Conflicting classifications of pathogenicity. Review status: criteria provided, conflicting classifications (1 of 4 stars). 2 submissions from 2 submitters: Pathogenic (1); Uncertain significance (1). Last evaluated 2021-08-07.

Conditions:
Meckel-Gruber syndrome. Also called: Dysencephalia splachnocystica; DYSENCEPHALIA SPLANCHNOCYSTICA; GRUBER SYNDROME. Identifiers: Orphanet 564, MedGen C0265215, MONDO:0018921.
Joubert syndrome. Also called: CEREBELLOPARENCHYMAL DISORDER IV; JOUBERT-BOLTSHAUSER SYNDROME; Familial aplasia of the vermis. Identifiers: Orphanet 475, MedGen C5979921, MONDO:0018772.
Joubert syndrome 6 (JBTS6). Identifiers: Orphanet 475, MedGen C1853153, MONDO:0012539, OMIM 610688.

Allele frequency attached by ClinVar (database versions not stated): gnomAD exomes below 0.00001; ExAC 0.00001.

Submissions (2):

Labcorp Genetics (formerly Invitae), Labcorp
Classification: Uncertain significance for Joubert syndrome; Meckel-Gruber syndrome. Last evaluated: 2021-08-07. Review status: criteria provided, single submitter. Criteria: Invitae Variant Classification Sherloc (09022015). Collection method: clinical testing. Allele origin: germline.
Comment: This sequence change falls in intron 9 of the TMEM67 gene. It does not directly change the encoded amino acid sequence of the TMEM67 protein. It affects a nucleotide within the consensus splice site of the intron. This variant is present in population databases (rs775256658, ExAC 0.002%). This variant has been observed in individual(s) with Joubert syndrome (PMID: 19574260, 26092869). ClinVar contains an entry for this variant (Variation ID: 217711). Variants that disrupt the consensus splice site are a relatively common cause of aberrant splicing (PMID: 17576681, 9536098). Algorithms developed to predict the effect of sequence changes on RNA splicing suggest that this variant may disrupt the consensus splice site. In summary, the available evidence is currently insufficient to determine the role of this variant in disease. Therefore, it has been classified as a Variant of Uncertain Significance.

UW Hindbrain Malformation Research Program, University of Washington
Classification: Pathogenic for Joubert syndrome 6. Last evaluated: 2015-02-23. Review status: criteria provided, single submitter. Criteria: Bachmann-Gagescu et al. (J Med Genet. 2015). Collection method: research. Allele origin: unknown. Affected: yes.

Literature cited by the submitters: PubMed 19574260 (cited by Labcorp Genetics (formerly Invitae), Labcorp); PubMed 26092869 (cited by Labcorp Genetics (formerly Invitae), Labcorp); PubMed 17576681 (cited by Labcorp Genetics (formerly Invitae), Labcorp); PubMed 9536098 (cited by Labcorp Genetics (formerly Invitae), Labcorp).

NM_153704.6(TMEM67):c.978+3A>G

Gene: TMEM67 (transmembrane protein 67; plus strand). Cytogenetic location: 8q22.1.
Variant type: single nucleotide variant.
Coding change: c.978+3A>G on transcript NM_153704.6 (MANE Select); 3 bases into the intron after coding-DNA position 978, A replaced by G.
Molecular consequence: intron variant.
Genome position (GRCh38, 1-based): chr8:93,780,985, A>G. VCF-style: chr8-93780985-A-G. GRCh37 (hg19) VCF-style: chr8-94793213-A-G.
Other names: c.735+3A>G (NM_001142301.1).
Identifiers: ClinVar variation 217711 (VCV000217711.4), dbSNP rs775256658, ClinGen allele CA277782.
Genomic context (GRCh38, chr8:93,780,985, plus strand): 5'-TCAAGTGCTCAGTTCTACCTCTCTTCCTACAAATTTCAGTTTTAAAGGAGAAAACCAGGT[A>G]AAAGTGTCTAATATCATTAGAGGATAACTACATTTTGATTTATAATTTTAAAAGGTAATA-3'